The following is an entry in ClinVar:

NM_000051.4(ATM):c.2009G>A (p.Gly670Asp)

Gene: ATM (ATM serine/threonine kinase; plus strand). Cytogenetic location: 11q22.3.
Variant type: single nucleotide variant.
Coding change: c.2009G>A on transcript NM_000051.4 (MANE Select); coding-DNA position 2009, G replaced by A.
Protein change: p.Gly670Asp; replaces glycine 670 with aspartic acid.
Molecular consequence: missense variant.
Genome position (GRCh38, 1-based): chr11:108,253,924, G>A. VCF-style: chr11-108253924-G-A. GRCh37 (hg19) VCF-style: chr11-108124651-G-A.
Other names: c.2009G>A, p.Gly670Asp (NM_001351834.2); short protein forms G670D.
Identifiers: ClinVar variation 478993 (VCV000478993.17), dbSNP rs887944555, ClinGen allele CA228393595.

ClinVar aggregate classification (germline): Conflicting classifications of pathogenicity. Review status: criteria provided, conflicting classifications (1 of 4 stars). 3 submissions from 3 submitters: Uncertain significance (2); Likely benign (1). Last evaluated 2026-01-08.

Conditions:
Hereditary cancer-predisposing syndrome. Also called: Tumor predisposition; Neoplastic Syndromes, Hereditary; Hereditary Cancer Syndrome; Hereditary neoplastic syndrome. Identifiers: Orphanet 140162, MedGen C0027672, MeSH D009386, MONDO:0015356.
Ataxia-telangiectasia syndrome (AT). Also called: Cerebello-oculocutaneous telangiectasia; Immunodeficiency with ataxia telangiectasia; ATAXIA-TELANGIECTASIA, COMPLEMENTATION GROUP A; Ataxia-telangiectasia, complementation group D; AT, COMPLEMENTATION GROUP C; ATAXIA-TELANGIECTASIA, FRESNO VARIANT. Identifiers: Orphanet 100, MedGen C0004135, MONDO:0008840, OMIM 208900.

gnomAD v4.1: 3 of 1,614,024 alleles (0.00019%); highest among the groups gnomAD compares: South Asian, 0.0033%; 1 homozygote.

Submissions (3):

Labcorp Genetics (formerly Invitae), Labcorp
Classification: Uncertain significance for Ataxia-telangiectasia syndrome. Last evaluated: 2026-01-08. Review status: criteria provided, single submitter. Criteria: Invitae Variant Classification Sherloc (09022015). Collection method: clinical testing. Allele origin: germline.
Comment: This sequence change replaces glycine, which is neutral and non-polar, with aspartic acid, which is acidic and polar, at codon 670 of the ATM protein (p.Gly670Asp). This variant is not present in population databases (gnomAD no frequency). This variant has not been reported in the literature in individuals affected with ATM-related conditions. ClinVar contains an entry for this variant (Variation ID: 478993). Invitae Evidence Modeling of protein sequence and biophysical properties (such as structural, functional, and spatial information, amino acid conservation, physicochemical variation, residue mobility, and thermodynamic stability) indicates that this missense variant is not expected to disrupt ATM protein function with a negative predictive value of 95%. In summary, the available evidence is currently insufficient to determine the role of this variant in disease. Therefore, it has been classified as a Variant of Uncertain Significance.

Ambry Genetics
Classification: Likely benign for Hereditary cancer-predisposing syndrome. Last evaluated: 2025-07-16. Review status: criteria provided, single submitter. Criteria: Ambry Variant Classification Scheme 2023. Collection method: clinical testing. Allele origin: germline.

GeneDx
Classification: Uncertain significance. Last evaluated: 2022-04-20. Review status: criteria provided, single submitter. Criteria: GeneDx Variant Classification Process June 2021. Collection method: clinical testing. Allele origin: germline. Affected: yes.
Comment: Not observed at significant frequency in large population cohorts (gnomAD); In silico analysis supports that this missense variant does not alter protein structure/function; Observed in an individual with breast cancer (Decker 2017); This variant is associated with the following publications: (PMID: 28779002)

Literature cited by the submitters: PubMed 28779002 (cited by Ambry Genetics).